The following is an entry in ClinVar:

NM_015512.5(DNAH1):c.737A>C (p.Lys246Thr)

Gene: DNAH1 (dynein axonemal heavy chain 1; plus strand). Cytogenetic location: 3p21.1.
Variant type: single nucleotide variant.
Coding change: c.737A>C on transcript NM_015512.5 (MANE Select); coding-DNA position 737, A replaced by C.
Protein change: p.Lys246Thr; replaces lysine 246 with threonine.
Molecular consequence: missense variant.
Genome position (GRCh38, 1-based): chr3:52,326,890, A>C. VCF-style: chr3-52326890-A-C. GRCh37 (hg19) VCF-style: chr3-52360906-A-C.
Other names: short protein forms K246T.
Identifiers: ClinVar variation 3502922 (VCV003502922.2).
Genomic context (GRCh38, chr3:52,326,890, plus strand): 5'-AGCACCCCCAAACCATCGAACAGGGCCATGACCCAATCTTCCCCATCTACCTCCCACTGA[A>C]GGTGAGCCGGGCTTCCACAGATGGTTGAGAGACAGGGGCAGAAGTGCAGGACCCCAGTGG-3'
Protein context (NP_056327.4, residues 236-256): DPIFPIYLPL[Lys246Thr]VFDNEDFDCR

ClinVar aggregate classification (germline): Uncertain significance. Review status: criteria provided, multiple submitters, no conflicts (2 of 4 stars). 2 submissions from 2 submitters: Uncertain significance (2). Last evaluated 2024-08-28.

Conditions:
Spermatogenic failure 18. Identifiers: MedGen C4539783, MONDO:0054615, OMIM 617576.
Ciliary dyskinesia, primary, 37 (CILD37). Also called: CILIARY DYSKINESIA, PRIMARY, 37, WITH OR WITHOUT SITUS INVERSUS. Identifiers: MedGen C4539798, MONDO:0033204, OMIM 617577.

gnomAD v4.1: 138 of 1,611,894 alleles (0.0086%); highest among the groups gnomAD compares: Non-Finnish European, 0.011%; no homozygotes.

Submissions (2):

Ambry Genetics
Classification: Uncertain significance. Last evaluated: 2024-08-28. Review status: criteria provided, single submitter. Criteria: Ambry Variant Classification Scheme 2023. Collection method: clinical testing. Allele origin: germline.

Labcorp Genetics (formerly Invitae), Labcorp
Classification: Uncertain significance for Ciliary dyskinesia, primary, 37; Spermatogenic failure 18. Last evaluated: 2024-07-08. Review status: criteria provided, single submitter. Criteria: Invitae Variant Classification Sherloc (09022015). Collection method: clinical testing. Allele origin: germline.
Comment: This sequence change replaces lysine, which is basic and polar, with threonine, which is neutral and polar, at codon 246 of the DNAH1 protein (p.Lys246Thr). This variant is present in population databases (rs201940851, gnomAD 0.01%). This variant has not been reported in the literature in individuals affected with DNAH1-related conditions. An algorithm developed to predict the effect of missense changes on protein structure and function (PolyPhen-2) suggests that this variant¬¨‚Ä†is likely to be tolerated. In summary, the available evidence is currently insufficient to determine the role of this variant in disease. Therefore, it has been classified as a Variant of Uncertain Significance.